The following is an entry in ClinVar:

NM_130837.3(OPA1):c.1747C>G (p.Leu583Val)

Gene: OPA1 (OPA1 mitochondrial dynamin like GTPase; plus strand). Cytogenetic location: 3q29.
Variant type: single nucleotide variant.
Coding change: c.1747C>G on transcript NM_130837.3 (MANE Select); coding-DNA position 1747, C replaced by G.
Protein change: p.Leu583Val; replaces leucine 583 with valine.
Molecular consequence: missense variant.
Genome position (GRCh38, 1-based): chr3:193,645,793, C>G. VCF-style: chr3-193645793-C-G. GRCh37 (hg19) VCF-style: chr3-193363582-C-G.
Other names: c.1213C>G, p.Leu405Val (NM_001354663.2); c.1210C>G, p.Leu404Val (NM_001354664.2); c.1582C>G, p.Leu528Val (NM_015560.3); c.1474C>G, p.Leu492Val (NM_130831.3); c.1528C>G, p.Leu510Val (NM_130832.3); c.1585C>G, p.Leu529Val (NM_130833.3); c.1636C>G, p.Leu546Val (NM_130834.3); c.1639C>G, p.Leu547Val (NM_130835.3); and 1 more; short protein forms L529V, L565V, L405V, L528V, L546V, L547V, L404V, L510V.
Identifiers: ClinVar variation 1997913 (VCV001997913.4), dbSNP rs2474904619, ClinGen allele CA355790317.

ClinVar aggregate classification (germline): Uncertain significance (1 of 4 stars; one submission).

Allele frequency attached by ClinVar (database versions not stated): gnomAD exomes below 0.00001.
gnomAD v4.1: 1 of 1,609,310 alleles (0.000062%); highest among the groups gnomAD compares: South Asian, 0.0011%; no homozygotes.

Submission:

Labcorp Genetics (formerly Invitae), Labcorp
Classification: Uncertain significance. Last evaluated: 2022-12-06. Review status: criteria provided, single submitter. Criteria: Invitae Variant Classification Sherloc (09022015). Collection method: clinical testing. Allele origin: germline.
Comment: This variant is not present in population databases (gnomAD no frequency). This sequence change replaces leucine, which is neutral and non-polar, with valine, which is neutral and non-polar, at codon 528 of the OPA1 protein (p.Leu528Val). In summary, the available evidence is currently insufficient to determine the role of this variant in disease. Therefore, it has been classified as a Variant of Uncertain Significance. Advanced modeling of protein sequence and biophysical properties (such as structural, functional, and spatial information, amino acid conservation, physicochemical variation, residue mobility, and thermodynamic stability) has been performed at Invitae for this missense variant, however the output from this modeling did not meet the statistical confidence thresholds required to predict the impact of this variant on OPA1 protein function. This variant has not been reported in the literature in individuals affected with OPA1-related conditions.